The following is an entry in ClinVar:

ClinVar aggregate classification (germline): Likely benign (0 of 4 stars; one submission).

Conditions:
TMEM132D-related disorder. Also called: TMEM132D-related condition.

Allele frequency attached by ClinVar (database versions not stated): ESP Exome Variant Server 0.00077; 1000 Genomes Project 0.00080; 1000 Genomes Project 30x 0.00094; ExAC 0.00095; gnomAD 0.00102; TOPMed 0.00110.
gnomAD v4.1: 2,090 of 1,613,610 alleles (0.13%); highest among the groups gnomAD compares: Admixed American, 0.22%; 3 homozygotes.

Submission:

PreventionGenetics, part of Exact Sciences
Classification: Likely benign for TMEM132D-related condition. Last evaluated: 2022-05-23. Review status: no assertion criteria provided. Collection method: clinical testing. Allele origin: germline.
Comment: This variant is classified as likely benign based on ACMG/AMP sequence variant interpretation guidelines (Richards et al. 2015 PMID: 25741868, with internal and published modifications).

NM_133448.3(TMEM132D):c.484G>A (p.Gly162Arg)

Gene: TMEM132D (transmembrane protein 132D; minus strand). Cytogenetic location: 12q24.33.
Variant type: single nucleotide variant.
Coding change: c.484G>A on transcript NM_133448.3 (MANE Select); coding-DNA position 484, G replaced by A.
Protein change: p.Gly162Arg; replaces glycine 162 with arginine.
Molecular consequence: missense variant.
Genome position (GRCh38, 1-based): chr12:129,700,294, C>T on the plus strand (G>A on the coding strand, the complement: TMEM132D is on the minus strand). VCF-style: chr12-129700294-C-T. GRCh37 (hg19) VCF-style: chr12-130184839-C-T.
Other names: short protein forms G162R.
Identifiers: ClinVar variation 3034293 (VCV003034293.2), dbSNP rs149686713, ClinGen allele CA6876382.